The following is an entry in ClinVar:

ClinVar aggregate classification (germline): Uncertain significance (1 of 4 stars; one submission).

Conditions:
Idiopathic Pulmonary Fibrosis. Also called: Idiopathic fibrosing alveolitis, chronic form; idiopathic fibrosing alveolitis. Identifiers: Orphanet 2032, MedGen C1800706, MeSH D054990, MONDO:0800504.
Dyskeratosis congenita, autosomal dominant 2. Identifiers: MedGen C3151443, MONDO:0013521, OMIM 613989.

Submission:

Labcorp Genetics (formerly Invitae), Labcorp
Classification: Uncertain significance for Dyskeratosis congenita, autosomal dominant 2; Idiopathic Pulmonary Fibrosis. Last evaluated: 2016-08-02. Review status: criteria provided, single submitter. Criteria: Invitae Variant Classification Sherloc (09022015). Collection method: clinical testing. Allele origin: germline.
Comment: This sequence change replaces proline with arginine at codon 111 of the TERT protein (p.Pro111Arg). The proline residue is weakly conserved and there is a moderate physicochemical difference between proline and arginine. This variant is not present in population databases (ExAC no frequency) and has not been reported in the literature in individuals with a TERT-related disease. Algorithms developed to predict the effect of missense changes on protein structure and function do not agree on the potential impact of this missense change (SIFT: "Tolerated"; PolyPhen-2: "Probably Damaging"; Align-GVGD: "Class C0"). In summary, this variant is a novel missense change with uncertain impact on protein function. It has been classified as a Variant of Uncertain Significance.

NM_198253.3(TERT):c.332C>G (p.Pro111Arg)

Gene: TERT (telomerase reverse transcriptase; minus strand). Cytogenetic location: 5p15.33.
Variant type: single nucleotide variant.
Coding change: c.332C>G on transcript NM_198253.3 (MANE Select); coding-DNA position 332, C replaced by G.
Protein change: p.Pro111Arg; replaces proline 111 with arginine.
Molecular consequence: missense variant. On other transcripts: non-coding transcript variant (2).
Genome position (GRCh38, 1-based): chr5:1,294,554, G>C on the plus strand (C>G on the coding strand, the complement: TERT is on the minus strand). VCF-style: chr5-1294554-G-C. GRCh37 (hg19) VCF-style: chr5-1294669-G-C.
Other names: c.332C>G, p.Pro111Arg (NM_001193376.3); short protein forms P111R.
Identifiers: ClinVar variation 410685 (VCV000410685.45), dbSNP rs1060503007, ClinGen allele CA16611695.